The following is an entry in ClinVar:

NM_015404.4(WHRN):c.1975C>T (p.Pro659Ser)

Gene: WHRN (whirlin; minus strand). Cytogenetic location: 9q32.
Variant type: single nucleotide variant.
Coding change: c.1975C>T on transcript NM_015404.4 (MANE Select); coding-DNA position 1975, C replaced by T.
Protein change: p.Pro659Ser; replaces proline 659 with serine.
Molecular consequence: missense variant.
Genome position (GRCh38, 1-based): chr9:114,406,616, G>A on the plus strand (C>T on the coding strand, the complement: WHRN is on the minus strand). VCF-style: chr9-114406616-G-A. GRCh37 (hg19) VCF-style: chr9-117168896-G-A.
Other names: c.826C>T, p.Pro276Ser (NM_001083885.3); c.1975C>T, p.Pro659Ser (NM_001173425.2); c.922C>T, p.Pro308Ser (NM_001346890.1); short protein forms P659S, P308S, P276S.
Identifiers: ClinVar variation 2091531 (VCV002091531.4), dbSNP rs1302680662, ClinGen allele CA374620547.

ClinVar aggregate classification (germline): Uncertain significance (1 of 4 stars; one submission).

Submission:

Labcorp Genetics (formerly Invitae), Labcorp
Classification: Uncertain significance. Last evaluated: 2022-02-01. Review status: criteria provided, single submitter. Criteria: Invitae Variant Classification Sherloc (09022015). Collection method: clinical testing. Allele origin: germline.
Comment: In summary, the available evidence is currently insufficient to determine the role of this variant in disease. Therefore, it has been classified as a Variant of Uncertain Significance. Algorithms developed to predict the effect of missense changes on protein structure and function output the following: SIFT: "Tolerated"; PolyPhen-2: "Benign"; Align-GVGD: "Class C0". The serine amino acid residue is found in multiple mammalian species, which suggests that this missense change does not adversely affect protein function. This variant has not been reported in the literature in individuals affected with WHRN-related conditions. This variant is not present in population databases (gnomAD no frequency). This sequence change replaces proline, which is neutral and non-polar, with serine, which is neutral and polar, at codon 659 of the WHRN protein (p.Pro659Ser).